The following is an entry in ClinVar:

NM_015057.5(MYCBP2):c.7261G>A (p.Gly2421Arg)

Gene: MYCBP2 (MYC binding protein 2; minus strand). Cytogenetic location: 13q22.3.
Variant type: single nucleotide variant.
Coding change: c.7261G>A on transcript NM_015057.5 (MANE Select); coding-DNA position 7261, G replaced by A.
Protein change: p.Gly2421Arg; replaces glycine 2421 with arginine.
Molecular consequence: missense variant.
Genome position (GRCh38, 1-based): chr13:77,144,487, C>T on the plus strand (G>A on the coding strand, the complement: MYCBP2 is on the minus strand). VCF-style: chr13-77144487-C-T. GRCh37 (hg19) VCF-style: chr13-77718622-C-T.
Other names: short protein forms G2421R.
Identifiers: ClinVar variation 4278804 (VCV004278804.1).
Genomic context (GRCh38, chr13:77,144,487, plus strand): 5'-TGGCTTTAAAGAAAATACCGATTTCAATGCCATCAATGGTAACATGAAGAGTGTAGAGTC[C>T]AATAGCCCCTGGAGTCCAATTTGCACAATAAGTCCCATCATTATTGACACGGATCAGCAT-3'
Protein context (NP_055872.4, residues 2411-2431): YCANWTPGAI[Gly2421Arg]LYTLHVTIDG

ClinVar aggregate classification (germline): Uncertain significance (1 of 4 stars; one submission).

gnomAD v4.1: 1 of 1,613,692 alleles (0.000062%); highest among the groups gnomAD compares: South Asian, 0.0011%; no homozygotes.

Submission:

GeneDx
Classification: Uncertain significance. Last evaluated: 2025-03-31. Review status: criteria provided, single submitter. Criteria: GeneDx Variant Classification Process June 2021. Collection method: clinical testing. Allele origin: germline. Affected: yes.
Comment: Not observed at significant frequency in large population cohorts (gnomAD); In silico analysis supports that this missense variant has a deleterious effect on protein structure/function; Has not been previously published as pathogenic or benign to our knowledge